The following is an entry in ClinVar:

NM_000257.4(MYH7):c.2060C>A (p.Pro687His)

Gene: MYH7 (myosin heavy chain 7; minus strand). Cytogenetic location: 14q11.2.
Variant type: single nucleotide variant.
Coding change: c.2060C>A on transcript NM_000257.4 (MANE Select); coding-DNA position 2060, C replaced by A.
Protein change: p.Pro687His; replaces proline 687 with histidine.
Molecular consequence: missense variant.
Genome position (GRCh38, 1-based): chr14:23,426,066, G>T on the plus strand (C>A on the coding strand, the complement: MYH7 is on the minus strand). VCF-style: chr14-23426066-G-T. GRCh37 (hg19) VCF-style: chr14-23895275-G-T.
Other names: short protein forms P687H.
Identifiers: ClinVar variation 918470 (VCV000918470.7), dbSNP rs747382784, ClinGen allele CA031104.

ClinVar aggregate classification (germline): Uncertain significance. Review status: criteria provided, multiple submitters, no conflicts (2 of 4 stars). 2 submissions from 2 submitters: Uncertain significance (2). Last evaluated 2024-03-05.

Conditions:
Cardiomyopathy (CMYO). Also called: Cardiomyopathies. Identifiers: Orphanet 167848, MedGen C0878544, MONDO:0004994, HP:0001638. Inheritance: Various modes of inheritance.

Allele frequency attached by ClinVar (database versions not stated): TOPMed below 0.00001; gnomAD 0.00001; gnomAD exomes 0.00002; ExAC 0.00003.
gnomAD v4.1: 3 of 1,614,064 alleles (0.00019%); highest among the groups gnomAD compares: East Asian, 0.0045%; no homozygotes.

Submissions (2):

All of Us Research Program, National Institutes of Health
Classification: Uncertain significance for Cardiomyopathy. Last evaluated: 2024-03-05. Review status: criteria provided, single submitter. Criteria: ACMG Guidelines, 2015. Collection method: clinical testing. Allele origin: germline. Inheritance: Autosomal dominant inheritance. Observed: 3 variant alleles, 3 heterozygotes.
Comment: This missense variant replaces proline with histidine at codon 687 of the MYH7 protein. Computational prediction suggests that this variant may not impact protein structure and function (internally defined REVEL score threshold <= 0.5, PMID: 27666373). To our knowledge, functional studies have not been reported for this variant. This variant has not been reported in individuals affected with MYH7-related disorders in the literature. This variant has been identified in 6/282614 chromosomes in the general population by the Genome Aggregation Database (gnomAD). The available evidence is insufficient to determine the role of this variant in disease conclusively. Therefore, this variant is classified as a Variant of Uncertain Significance.

This study involves interpretation of variants in research participants for the purpose of population health screening. Participant phenotype was not available at the time of variant classification. Additional details can be found in publication PMID: 35346344, PMCID: PMC8962531

Color Diagnostics, LLC DBA Color Health
Classification: Uncertain significance for Cardiomyopathy. Last evaluated: 2023-03-16. Review status: criteria provided, single submitter. Criteria: ACMG Guidelines, 2015. Collection method: clinical testing. Allele origin: germline.
Comment: This missense variant replaces proline with histidine at codon 687 of the MYH7 protein. Computational prediction suggests that this variant may not impact protein structure and function (internally defined REVEL score threshold <= 0.5, PMID: 27666373). To our knowledge, functional studies have not been reported for this variant. This variant has not been reported in individuals affected with MYH7-related disorders in the literature. This variant has been identified in 6/282614 chromosomes in the general population by the Genome Aggregation Database (gnomAD). The available evidence is insufficient to determine the role of this variant in disease conclusively. Therefore, this variant is classified as a Variant of Uncertain Significance.